The following is an entry in ClinVar:

ClinVar aggregate classification (germline): Benign (3 of 4 stars; one submission).

Conditions:
Breast-ovarian cancer, familial, susceptibility to, 1 (BROVCA1). Also called: BRCA1 Hereditary Breast and Ovarian Cancer; OVARIAN CANCER, SUSCEPTIBILITY TO. Identifiers: Orphanet 145, MedGen C2676676, MONDO:0011450, OMIM 604370. Disease mechanism: loss of function.

Submission:

Evidence-based Network for the Interpretation of Germline Mutant Alleles (ENIGMA)
Classification: Benign for Breast-ovarian cancer, familial, susceptibility to, 1. Last evaluated: 2016-09-28. Review status: reviewed by expert panel. Criteria: ENIGMA BRCA1/2 Classification Criteria (2015). Collection method: curation. Allele origin: germline.
Comment: Class 1 not pathogenic based on frequency >1% in an outbred sampleset. Frequency 0.331 (European), 0.2179 (African), 0.3617 (Admixed American/Latino), 0.371 (East Asian), 0.4949 (South Asian), derived from 1000 genomes (2013-05-02).

NM_007294.4(BRCA1):c.81-413dup

Gene: BRCA1 (BRCA1 DNA repair associated; minus strand). Cytogenetic location: 17q21.31.
Variant type: Duplication.
Coding change: c.81-413dup on transcript NM_007294.4 (MANE Select); 413 bases into the intron before coding-DNA position 81, one base duplicated (A; older notation c.81-413dupA).
Molecular consequence: intron variant.
Genome position (GRCh38, 1-based): chr17:43,116,192, T duplicated on the plus strand (A on the coding strand, the reverse complement: BRCA1 is on the minus strand); the first of 8 consecutive T bases (chr17:43,116,192-43,116,199); duplicating any one gives the same sequence. VCF-style (leftmost placement, unchanged base first): chr17-43116191-C-CT. GRCh37 (hg19) VCF-style: chr17-41268208-C-CT.
Other names: c.81-413dup (NM_001407593.1, NM_001407686.1, NM_001408397.1 and 191 more transcripts); c.-61-413dup (NM_001408458.1, NM_001408470.1, NM_001407848.1 and 47 more transcripts); c.-219+9085dup (NM_001407967.1); c.-170+9085dup (NM_001407959.1); c.-8+9085dup (NM_001407931.1, NM_001407747.1); c.-223-413dup (NM_001407962.1, NM_001408512.1, NM_001408510.1 and 1 more transcripts); c.-108-413dup (NM_001407885.1, NM_001407886.1, NM_001408509.1 and 52 more transcripts); c.-177-413dup (NM_001407746.1, NM_001408468.1, NM_001407842.1 and 13 more transcripts); and 11 more.
Identifiers: ClinVar variation 264808 (VCV000264808.2), dbSNP rs8176097, ClinGen allele CA10588257.
Genomic context (GRCh38, chr17:43,116,191, plus strand): 5'-CTTTAAGCTCCATAAAGACAAAATTTTCTGCTTATATTTCTTTTGAATTCCTTCCTAGAA[C>CT]TTTTTTTTGTTTACTGTAAATGCCTTTTTAACTTAATATGGAAAATTTCAAGTATTTCAA-3'